The following is an entry in ClinVar:

NM_006767.4(LZTR1):c.784G>A (p.Asp262Asn)

Gene: LZTR1 (leucine zipper like post translational regulator 1; plus strand). Cytogenetic location: 22q11.21.
Variant type: single nucleotide variant.
Coding change: c.784G>A on transcript NM_006767.4 (MANE Select); coding-DNA position 784, G replaced by A.
Protein change: p.Asp262Asn; replaces aspartic acid 262 with asparagine.
Molecular consequence: missense variant.
Genome position (GRCh38, 1-based): chr22:20,990,518, G>A. VCF-style: chr22-20990518-G-A. GRCh37 (hg19) VCF-style: chr22-21344807-G-A.
Other names: short protein forms D262N.
Identifiers: ClinVar variation 1405324 (VCV001405324.13), dbSNP rs772266158, ClinGen allele CA410780704.

ClinVar aggregate classification (germline): Conflicting classifications of pathogenicity. Review status: criteria provided, conflicting classifications (1 of 4 stars). 4 submissions from 4 submitters: Uncertain significance (3); Likely benign (1). Last evaluated 2025-08-26.

Conditions:
LZTR1-related schwannomatosis. Also called: Schwannomatosis 2; Schwannomatosis-2, susceptibility to. Identifiers: Orphanet 93921, MedGen C3810283, MONDO:0014299, OMIM 615670.
Cardiovascular phenotype. Identifiers: MedGen CN230736.
Hereditary cancer-predisposing syndrome. Also called: Neoplastic Syndromes, Hereditary; Hereditary Cancer Syndrome; Tumor predisposition; Hereditary neoplastic syndrome. Identifiers: Orphanet 140162, MedGen C0027672, MeSH D009386, MONDO:0015356.

Allele frequency attached by ClinVar (database versions not stated): gnomAD exomes below 0.00001; TOPMed below 0.00001; gnomAD 0.00001.
gnomAD v4.1: 3 of 1,610,798 alleles (0.00019%); highest among the groups gnomAD compares: Non-Finnish European, 0.00017%; no homozygotes.

Submissions (4):

Labcorp Genetics (formerly Invitae), Labcorp
Classification: Uncertain significance. Last evaluated: 2025-08-26. Review status: criteria provided, single submitter. Criteria: Invitae Variant Classification Sherloc (09022015). Collection method: clinical testing. Allele origin: germline.
Comment: This sequence change replaces aspartic acid, which is acidic and polar, with asparagine, which is neutral and polar, at codon 262 of the LZTR1 protein (p.Asp262Asn). This variant is not present in population databases (gnomAD no frequency). This variant has not been reported in the literature in individuals affected with LZTR1-related conditions. ClinVar contains an entry for this variant (Variation ID: 1405324). Invitae Evidence Modeling of protein sequence and biophysical properties (such as structural, functional, and spatial information, amino acid conservation, physicochemical variation, residue mobility, and thermodynamic stability) indicates that this missense variant is not expected to disrupt LZTR1 protein function with a negative predictive value of 80%. In summary, the available evidence is currently insufficient to determine the role of this variant in disease. Therefore, it has been classified as a Variant of Uncertain Significance.

Ambry Genetics
Classification: Likely benign for Cardiovascular phenotype; Hereditary cancer-predisposing syndrome. Last evaluated: 2024-03-07. Review status: criteria provided, single submitter. Criteria: Ambry Variant Classification Scheme 2023. Collection method: clinical testing. Allele origin: germline.

Baylor Genetics
Classification: Uncertain significance for LZTR1-related schwannomatosis. Last evaluated: 2023-09-26. Review status: criteria provided, single submitter. Criteria: ACMG Guidelines, 2015. Collection method: clinical testing. Allele origin: unknown.

GeneDx
Classification: Uncertain significance. Last evaluated: 2023-06-27. Review status: criteria provided, single submitter. Criteria: GeneDx Variant Classification Process June 2021. Collection method: clinical testing. Allele origin: germline.
Comment: Not observed at significant frequency in large population cohorts (gnomAD); In silico analysis supports that this missense variant does not alter protein structure/function; Has not been previously published as pathogenic or benign to our knowledge